The following is an entry in ClinVar:

NM_005476.7(GNE):c.110A>G (p.Glu37Gly)

Gene: GNE (glucosamine (UDP-N-acetyl)-2-epimerase/N-acetylmannosamine kinase; minus strand). Cytogenetic location: 9p13.3.
Variant type: single nucleotide variant.
Coding change: c.110A>G on transcript NM_005476.7 (MANE Select); coding-DNA position 110, A replaced by G.
Protein change: p.Glu37Gly; replaces glutamic acid 37 with glycine.
Molecular consequence: missense variant. On other transcripts: intron variant (3).
Genome position (GRCh38, 1-based): chr9:36,249,246, T>C on the plus strand (A>G on the coding strand, the complement: GNE is on the minus strand). VCF-style: chr9-36249246-T-C. GRCh37 (hg19) VCF-style: chr9-36249243-T-C.
Other names: c.203A>G, p.Glu68Gly (NM_001128227.3); c.110A>G, p.Glu37Gly (NM_001190383.3, NM_001374797.1); c.-13-2764A>G (NM_001190388.2, NM_001190384.3, NM_001374798.1); short protein forms E37G, E68G.
Identifiers: ClinVar variation 4991287 (VCV004991287.1).

ClinVar aggregate classification (germline): Uncertain significance (1 of 4 stars; one submission).

Conditions:
GNE-related disorder. Also called: GNE-related condition.

Submission:

PreventionGenetics, part of Exact Sciences
Classification: Uncertain significance for GNE-related condition. Last evaluated: 2026-02-17. Review status: criteria provided, single submitter. Criteria: ACMG Guidelines, 2015. Collection method: clinical testing. Allele origin: germline.
Comment: The GNE c.203A>G variant is predicted to result in the amino acid substitution p.Glu68Gly. To our knowledge, this variant has not been reported in the literature or in a large population database (gnomAD), indicating this variant is rare. At this time, the clinical significance of this variant is uncertain due to the absence of conclusive functional and genetic evidence.